The following is an entry in ClinVar:

NM_024642.5(GALNT12):c.344G>A (p.Arg115His)

Gene: GALNT12 (polypeptide N-acetylgalactosaminyltransferase 12; plus strand). Cytogenetic location: 9q22.33.
Variant type: single nucleotide variant.
Coding change: c.344G>A on transcript NM_024642.5 (MANE Select); coding-DNA position 344, G replaced by A.
Protein change: p.Arg115His; replaces arginine 115 with histidine.
Molecular consequence: missense variant.
Genome position (GRCh38, 1-based): chr9:98,808,042, G>A. VCF-style: chr9-98808042-G-A. GRCh37 (hg19) VCF-style: chr9-101570324-G-A.
Other names: short protein forms R115H.
Identifiers: ClinVar variation 2566256 (VCV002566256.2), dbSNP rs2118258368, ClinGen allele CA374223075.

ClinVar aggregate classification (germline): Uncertain significance (1 of 4 stars; one submission).

gnomAD v4.1: 2 of 1,580,356 alleles (0.00013%); highest among the groups gnomAD compares: Non-Finnish European, 0.000086%; no homozygotes.

Submission:

Ambry Genetics
Classification: Uncertain significance. Last evaluated: 2023-04-18. Review status: criteria provided, single submitter. Criteria: Ambry Variant Classification Scheme 2023. Collection method: clinical testing. Allele origin: germline.
Comment: The p.R115H variant (also known as c.344G>A), located in coding exon 1 of the GALNT12 gene, results from a G to A substitution at nucleotide position 344. The arginine at codon 115 is replaced by histidine, an amino acid with highly similar properties. This amino acid position is conserved. In addition, this alteration is predicted to be deleterious by in silico analysis. Since supporting evidence is limited at this time, the clinical significance of this alteration remains unclear.